The following is an entry in ClinVar:

ClinVar aggregate classification (germline): Likely benign. Review status: criteria provided, multiple submitters, no conflicts (2 of 4 stars). 3 submissions from 3 submitters: Likely benign (2). 1 of the submissions does not count toward it. Last evaluated 2024-12-01.

Conditions:
CUX2-related disorder. Also called: CUX2-related condition.

Submissions (3):

CeGaT Center for Human Genetics Tuebingen
Classification: Likely benign. Last evaluated: 2024-12-01. Review status: criteria provided, single submitter. Criteria: CeGaT Center For Human Genetics Tuebingen Variant Classification Criteria Version 2. Collection method: clinical testing. Allele origin: germline. Affected: yes. Observed: 3 variant alleles.
Comment: CUX2: BP4, BP7

Labcorp Genetics (formerly Invitae), Labcorp
Classification: Likely benign. Last evaluated: 2019-12-31. Review status: criteria provided, single submitter. Criteria: Invitae Variant Classification Sherloc (09022015). Collection method: clinical testing. Allele origin: germline.

PreventionGenetics, part of Exact Sciences
Classification: Likely benign for CUX2-related condition. Last evaluated: 2019-04-29. Review status: no assertion criteria provided. Collection method: clinical testing. Allele origin: germline. Not counted in ClinVar's aggregate classification.
Comment: This variant is classified as likely benign based on ACMG/AMP sequence variant interpretation guidelines (Richards et al. 2015 PMID: 25741868, with internal and published modifications).

NM_015267.4(CUX2):c.3762A>C (p.Pro1254=)

Gene: CUX2 (cut like homeobox 2; plus strand). Cytogenetic location: 12q24.12.
Variant type: single nucleotide variant.
Coding change: c.3762A>C on transcript NM_015267.4 (MANE Select); coding-DNA position 3762, A replaced by C.
Protein change: p.Pro1254=; no amino-acid change (proline 1254 retained).
Molecular consequence: synonymous variant.
Genome position (GRCh38, 1-based): chr12:111,347,626, A>C. VCF-style: chr12-111347626-A-C. GRCh37 (hg19) VCF-style: chr12-111785430-A-C.
Other names: c.3576A>C, p.Pro1192= (NM_001370598.1).
Identifiers: ClinVar variation 736188 (VCV000736188.28), dbSNP rs1592994912, ClinGen allele CA481870242.